The following is an entry in ClinVar:

NM_004415.4(DSP):c.489G>A (p.Arg163=)

Gene: DSP (desmoplakin; plus strand). Cytogenetic location: 6p24.3.
Variant type: single nucleotide variant.
Coding change: c.489G>A on transcript NM_004415.4 (MANE Select); coding-DNA position 489, G replaced by A.
Protein change: p.Arg163=; no amino-acid change (arginine 163 retained).
Molecular consequence: synonymous variant.
Genome position (GRCh38, 1-based): chr6:7,559,292, G>A. VCF-style: chr6-7559292-G-A. GRCh37 (hg19) VCF-style: chr6-7559525-G-A.
Other names: c.489G>A, p.Arg163= (NM_001008844.3, NM_001319034.2, NM_001406591.1).
Identifiers: ClinVar variation 3386618 (VCV003386618.1).

ClinVar aggregate classification (germline): Likely benign (1 of 4 stars; one submission).

Conditions:
Arrhythmogenic cardiomyopathy with wooly hair and keratoderma. Also called: Carvajal syndrome; PALMOPLANTAR KERATODERMA WITH LEFT VENTRICULAR CARDIOMYOPATHY AND WOOLLY HAIR; Dilated cardiomyopathy with woolly hair and keratoderma; Arrhythmogenic cardiomyopathy with woolly hair and keratoderma. Identifiers: Orphanet 65282, MedGen C1854063, MONDO:0011581, OMIM 605676.

Submission:

All of Us Research Program, National Institutes of Health
Classification: Likely benign for Arrhythmogenic cardiomyopathy with wooly hair and keratoderma. Last evaluated: 2024-05-14. Review status: criteria provided, single submitter. Criteria: ACMG Guidelines, 2015. Collection method: clinical testing. Allele origin: germline. Inheritance: Autosomal dominant inheritance. Observed: 1 variant allele, 1 heterozygote.
Comment: This study involves interpretation of variants in research participants for the purpose of population health screening. Participant phenotype was not available at the time of variant classification. Additional details can be found in publication PMID: 35346344, PMCID: PMC8962531